The following is an entry in ClinVar:

ClinVar aggregate classification (germline): Uncertain significance (1 of 4 stars; one submission).

Conditions:
Developmental and epileptic encephalopathy 94 (DEE94). Also called: CHD2-Related Neurodevelopmental Disorders; Epileptic encephalopathy, childhood-onset. Identifiers: Orphanet 1942, Orphanet 2382, MedGen C3809278, MONDO:0014150, OMIM 615369.

Allele frequency attached by ClinVar (database versions not stated): gnomAD exomes below 0.00001; ExAC 0.00001.
gnomAD v4.1: 1 of 1,614,178 alleles (0.000062%); highest among the groups gnomAD compares: Non-Finnish European, 0.000085%; no homozygotes.

Submission:

Labcorp Genetics (formerly Invitae), Labcorp
Classification: Uncertain significance for Developmental and epileptic encephalopathy 94. Last evaluated: 2022-08-17. Review status: criteria provided, single submitter. Criteria: Invitae Variant Classification Sherloc (09022015). Collection method: clinical testing. Allele origin: germline.
Comment: Advanced modeling of protein sequence and biophysical properties (such as structural, functional, and spatial information, amino acid conservation, physicochemical variation, residue mobility, and thermodynamic stability) performed at Invitae indicates that this missense variant is not expected to disrupt CHD2 protein function. This sequence change replaces serine, which is neutral and polar, with asparagine, which is neutral and polar, at codon 47 of the CHD2 protein (p.Ser47Asn). This variant is not present in population databases (gnomAD no frequency). This variant has not been reported in the literature in individuals affected with CHD2-related conditions. In summary, the available evidence is currently insufficient to determine the role of this variant in disease. Therefore, it has been classified as a Variant of Uncertain Significance.

NM_001271.4(CHD2):c.140G>A (p.Ser47Asn)

Gene: CHD2 (chromodomain helicase DNA binding protein 2; plus strand). Cytogenetic location: 15q26.1.
Variant type: single nucleotide variant.
Coding change: c.140G>A on transcript NM_001271.4 (MANE Select); coding-DNA position 140, G replaced by A.
Protein change: p.Ser47Asn; replaces serine 47 with asparagine.
Molecular consequence: missense variant.
Genome position (GRCh38, 1-based): chr15:92,924,398, G>A. VCF-style: chr15-92924398-G-A. GRCh37 (hg19) VCF-style: chr15-93467628-G-A.
Other names: c.140G>A, p.Ser47Asn (NM_001042572.3); short protein forms S47N.
Identifiers: ClinVar variation 2121993 (VCV002121993.4), dbSNP rs781140829, ClinGen allele CA7747445.
Genomic context (GRCh38, chr15:92,924,398, plus strand): 5'-AAGCTTCGGGTTCAGACTCAGGCAGTCAGTCGGAAAGTGAGCAGGGAAGTGATCCAGGAA[G>A]TGGACATGGCAGCGAGTCGAACAGCAGCTCTGAATCTTCTGAGAGTCAGTCGGAATCTGA-3'
Protein context (NP_001262.3, residues 37-57): SESEQGSDPG[Ser47Asn]GHGSESNSSS